The following is an entry in ClinVar:

NM_007294.4(BRCA1):c.407del (p.Arg136fs)

Gene: BRCA1 (BRCA1 DNA repair associated; minus strand). Cytogenetic location: 17q21.31.
Variant type: Deletion.
Coding change: c.407del on transcript NM_007294.4 (MANE Select); coding-DNA position 407, one base deleted (G; older notation c.407delG).
Protein change: p.Arg136fs; shifts the reading frame from arginine 136.
Molecular consequence: frameshift variant. On other transcripts: non-coding transcript variant (1).
Genome position (GRCh38, 1-based): chr17:43,104,156, C deleted on the plus strand (G on the coding strand, the reverse complement: BRCA1 is on the minus strand). VCF-style (leftmost placement, unchanged base first): chr17-43104155-TC-T. GRCh37 (hg19) VCF-style: chr17-41256172-TC-T.
Other names: 526delG-ter162; c.407delG, p.Arg136Asnfs (NM_001408445.1, NM_001408446.1, NM_001408447.1 and 163 more transcripts); c.197delG, p.Arg66Asnfs (NM_001407571.1, NM_001408478.1, NM_001408479.1 and 58 more transcripts); c.275delG, p.Arg92Asnfs (NM_001408451.1); c.266delG, p.Arg89Asnfs (NM_001408452.1, NM_001408453.1, NM_001408454.1 and 98 more transcripts); c.329delG, p.Arg110Asnfs (NM_001408474.1, NM_001408475.1, NM_001408476.1 and 21 more transcripts); c.398delG, p.Arg133Asnfs (NM_001407646.1, NM_001407647.1, NM_001408408.1); c.26delG, p.Arg9Asnfs (NM_001408510.1, NM_001408512.1, NM_001407959.1 and 4 more transcripts); and 2 more; short protein forms R136fs, R89fs.
Identifiers: ClinVar variation 266442 (VCV000266442.6), dbSNP rs886040200, ClinGen allele CA10590012.

ClinVar aggregate classification (germline): Pathogenic. Review status: reviewed by expert panel (3 of 4 stars). 3 submissions from 3 submitters: Pathogenic (1). 2 of the submissions do not count toward it. Last evaluated 2016-10-18.

Conditions:
Hereditary breast ovarian cancer syndrome. Also called: Hereditary breast and ovarian cancer syndrome (HBOC); Breast and ovarian cancer; Hereditary breast and ovarian cancer syndrome; Hereditary breast and ovarian cancer; BRCA1- and BRCA2-Associated Hereditary Breast and Ovarian Cancer; Hereditary breast and/or ovarian cancer syndrome. Identifiers: Orphanet 145, MedGen C0677776, MeSH D061325, MONDO:0003582. Disease mechanism: loss of function.
Breast-ovarian cancer, familial, susceptibility to, 1 (BROVCA1). Also called: BRCA1 Hereditary Breast and Ovarian Cancer; OVARIAN CANCER, SUSCEPTIBILITY TO. Identifiers: Orphanet 145, MedGen C2676676, MONDO:0011450, OMIM 604370. Disease mechanism: loss of function.

Submissions (3):

Evidence-based Network for the Interpretation of Germline Mutant Alleles (ENIGMA)
Classification: Pathogenic for Breast-ovarian cancer, familial, susceptibility to, 1. Last evaluated: 2016-10-18. Review status: reviewed by expert panel. Criteria: ENIGMA BRCA1/2 Classification Criteria (2015). Collection method: curation. Allele origin: germline.
Comment: Variant allele predicted to encode a truncated non-functional protein.

Consortium of Investigators of Modifiers of BRCA1/2 (CIMBA), c/o University of Cambridge
Classification: Pathogenic for Breast-ovarian cancer, familial, susceptibility to, 1. Last evaluated: 2015-10-02. Review status: criteria provided, single submitter. Criteria: CIMBA Mutation Classification guidelines May 2016. Collection method: clinical testing. Allele origin: germline. Not counted in ClinVar's aggregate classification.

Research Molecular Genetics Laboratory, Women's College Hospital, University of Toronto
Classification: Pathogenic for Hereditary breast ovarian cancer syndrome. Last evaluated: 2014-01-31. Review status: no assertion criteria provided. Collection method: research. Allele origin: germline. Affected: yes. Study: The Canadian Open Genetics Repository (COGR). Not counted in ClinVar's aggregate classification.